The following is an entry in ClinVar:

NM_000082.4(ERCC8):c.618-1G>A

Gene: ERCC8 (ERCC excision repair 8, CSA ubiquitin ligase complex subunit; minus strand). Cytogenetic location: 5q12.1.
Variant type: single nucleotide variant.
Coding change: c.618-1G>A on transcript NM_000082.4 (MANE Select); the canonical splice acceptor site of the intron before coding-DNA position 618, G replaced by A.
Molecular consequence: splice acceptor variant.
Genome position (GRCh38, 1-based): chr5:60,899,728, C>T on the plus strand (G>A on the coding strand, the complement: ERCC8 is on the minus strand). VCF-style: chr5-60899728-C-T. GRCh37 (hg19) VCF-style: chr5-60195555-C-T.
Other names: c.159-1G>A (NM_001290285.2); c.444-1G>A (NM_001007233.3).
Identifiers: ClinVar variation 551068 (VCV000551068.20), dbSNP rs201464610, ClinGen allele CA3277757.

ClinVar aggregate classification (germline): Pathogenic/Likely pathogenic. Review status: criteria provided, multiple submitters, no conflicts (2 of 4 stars). 8 submissions from 8 submitters: Pathogenic (7); Likely pathogenic (1). Last evaluated 2026-02-13.

Conditions:
ERCC8-related disorders.
UV-sensitive syndrome 2 (UVSS2). Identifiers: Orphanet 178338, MedGen C3553298, MONDO:0013829, OMIM 614621.
Cockayne syndrome type 1. Also called: Cockayne syndrome type I; Cockayne syndrome classical; Cockayne syndrome classic form. Identifiers: Orphanet 191, Orphanet 90321, MedGen C0751039, MONDO:0019569, OMIM 216400.

Allele frequency attached by ClinVar (database versions not stated): gnomAD 0.00001; TOPMed 0.00002.
gnomAD v4.1: 18 of 1,602,438 alleles (0.0011%); highest among the groups gnomAD compares: Admixed American, 0.0017%; no homozygotes.

Submissions (8):

OLLIN Analises Genomicas, OLLIN
Classification: Likely pathogenic for Cockayne syndrome type 1. Last evaluated: 2026-02-13. Review status: criteria provided, single submitter. Criteria: ACMG Guidelines 2015 PMID 25741868. Collection method: clinical testing. Allele origin: germline. Observed: 4 variant alleles.
Comment: PVS1, PM2_P

Labcorp Genetics (formerly Invitae), Labcorp
Classification: Pathogenic. Last evaluated: 2026-01-19. Review status: criteria provided, single submitter. Criteria: Invitae Variant Classification Sherloc (09022015). Collection method: clinical testing. Allele origin: germline.
Comment: This sequence change affects an acceptor splice site in intron 7 of the ERCC8 gene. It is expected to disrupt RNA splicing. Variants that disrupt the donor or acceptor splice site typically lead to a loss of protein function (PMID: 16199547), and loss-of-function variants in ERCC8 are known to be pathogenic (PMID: 29572252). This variant is present in population databases (rs201464610, gnomAD 0.003%). Disruption of this splice site has been observed in individuals with Cockayne syndrome (PMID: 16865293, 29422660). ClinVar contains an entry for this variant (Variation ID: 551068). Algorithms developed to predict the effect of sequence changes on RNA splicing suggest that this variant may disrupt the consensus splice site. For these reasons, this variant has been classified as Pathogenic.

Dasa
Classification: Pathogenic. Last evaluated: 2026-01-09. Review status: criteria provided, single submitter. Criteria: DASA Assertion Criteria. Collection method: clinical testing. Allele origin: germline.
Comment: NM_000082.4(ERCC8):c.618-1G>A alters a canonical splice acceptor site and is predicted to disrupt normal splicing. Loss-of-function is an established mechanism of disease for this gene. The variant has been reported in individuals with Cockayne syndrome (PMID: 16865293, 27004399, 32557569). It is present at low frequency in population datasets. Based on the available data, this variant is classified as pathogenic.

Blueprint Genetics
Classification: Pathogenic for ERCC8-related disorders. Last evaluated: 2024-10-22. Review status: criteria provided, single submitter. Criteria: ACMG Guidelines, 2015. Collection method: clinical testing. Allele origin: germline. Affected: yes. Observed: 2 variant alleles.

Fulgent Genetics
Classification: Pathogenic for Cockayne syndrome type 1; UV-sensitive syndrome 2. Last evaluated: 2024-03-12. Review status: criteria provided, single submitter. Criteria: ACMG Guidelines, 2015. Collection method: clinical testing. Allele origin: germline.

Revvity Omics, Revvity
Classification: Pathogenic. Last evaluated: 2023-03-24. Review status: criteria provided, single submitter. Criteria: ACMG Guidelines, 2015. Collection method: clinical testing. Allele origin: germline.

Myriad Genetics, Inc.
Classification: Pathogenic for Cockayne syndrome type 1. Last evaluated: 2021-11-03. Review status: criteria provided, single submitter. Criteria: Myriad Women's Health Autosomal Recessive and X-Linked Classification Criteria (2021). Collection method: clinical testing. Allele origin: unknown.
Comment: NM_000082.3(ERCC8):c.618-1G>A is a canonical splice variant classified as pathogenic in the context of ERCC8-related disorders. c.618-1G>A has been observed in cases with relevant disease (PMID: 32557569, 27004399, 16865293). Functional assessments of this variant are not available in the literature. c.618-1G>A has been observed in population frequency databases (gnomAD: NFE 0.003%). In summary, NM_000082.3(ERCC8):c.618-1G>A is a canonical splice variant in a gene where loss of function is a known mechanism of disease, is predicted to disrupt protein function, and has been observed more frequently in cases with the relevant disease than in healthy populations. Please note: this variant was assessed in the context of healthy population screening.

Laboratoire de Génétique Moléculaire, CHU Bordeaux
Classification: Pathogenic. Review status: criteria provided, single submitter. Criteria: ACMG Guidelines, 2015. Collection method: clinical testing. Allele origin: germline. Affected: yes.

Literature cited by the submitters: PubMed 16199547 (cited by Labcorp Genetics (formerly Invitae), Labcorp); PubMed 29572252 (cited by Labcorp Genetics (formerly Invitae), Labcorp); PubMed 16865293 (cited by 3 submitters); PubMed 29422660 (cited by Labcorp Genetics (formerly Invitae), Labcorp); PubMed 32557569 (cited by Dasa and Myriad Genetics, Inc.); PubMed 27004399 (cited by Dasa and Myriad Genetics, Inc.).